The following is an entry in ClinVar:

ClinVar aggregate classification (germline): Likely pathogenic (1 of 4 stars; one submission).

Conditions:
Hypogonadotropic hypogonadism 25 with anosmia. Identifiers: MedGen C5394246, MONDO:0030010, OMIM 618841.

Submission:

MGZ Medical Genetics Center
Classification: Likely pathogenic for Hypogonadotropic hypogonadism 25 with anosmia. Last evaluated: 2021-08-13. Review status: criteria provided, single submitter. Criteria: ACMG Guidelines, 2015. Collection method: clinical testing. Allele origin: germline. Affected: yes. Observed: 1 variant allele.
Comment: ACMG criteria applied: PVS1_STR, PM2_SUP, PP4

NM_024574.4(NDNF):c.1159del (p.Ile387fs)

Gene: NDNF (neuron derived neurotrophic factor; minus strand). Cytogenetic location: 4q27.
Variant type: Deletion.
Coding change: c.1159del on transcript NM_024574.4 (MANE Select); coding-DNA position 1159, one base deleted (A; older notation c.1159delA).
Protein change: p.Ile387fs; shifts the reading frame from isoleucine 387.
Molecular consequence: frameshift variant.
Genome position (GRCh38, 1-based): chr4:121,036,812, T deleted on the plus strand (A on the coding strand, the reverse complement: NDNF is on the minus strand); the first of 3 consecutive T bases (chr4:121,036,812-121,036,814); deleting any one gives the same sequence. VCF-style (leftmost placement, unchanged base first): chr4-121036811-AT-A. GRCh37 (hg19) VCF-style: chr4-121957966-AT-A.
Other names: short protein forms I387fs.
Identifiers: ClinVar variation 1709811 (VCV001709811.2), dbSNP rs2476439283, ClinGen allele CA2580071427.